The following is an entry in ClinVar:

NM_004937.3(CTNS):c.386T>A (p.Val129Glu)

Genes: CTNS (cystinosin, lysosomal cystine transporter; plus strand), CTNS-AS1 (CTNS antisense RNA 1; minus strand). Cytogenetic location: 17p13.2.
Variant type: single nucleotide variant.
Coding change: c.386T>A on transcript NM_004937.3 (MANE Select); coding-DNA position 386, T replaced by A.
Protein change: p.Val129Glu; replaces valine 129 with glutamic acid.
Molecular consequence: missense variant. On other transcripts: 5 prime UTR variant (4).
Genome position (GRCh38, 1-based): chr17:3,655,277, T>A. VCF-style: chr17-3655277-T-A. GRCh37 (hg19) VCF-style: chr17-3558571-T-A.
Other names: c.386T>A, p.Val129Glu (NM_001031681.3, NM_001374492.1); c.-56T>A (NM_001374493.1, NM_001374494.1, NM_001374495.1 and 1 more transcripts); short protein forms V129E.
Identifiers: ClinVar variation 990031 (VCV000990031.8), dbSNP rs1009882965, ClinGen allele CA287016399.
Genomic context (GRCh38, chr17:3,655,277, plus strand): 5'-CCAGCCCGAGGATACGCTTTCTTGTGATCCGCAGCAGCGCCATTAGCATCATAAACCAGG[T>A]GATTGGCTGGATCTACTTTGTGGCCTGGTCCATCTCCTTCTACCCTCAGGTGATCATGAA-3'
Protein context (NP_004928.2, residues 119-139): RSSAISIINQ[Val129Glu]IGWIYFVAWS

ClinVar aggregate classification (germline): Uncertain significance. Review status: criteria provided, single submitter (1 of 4 stars). 2 submissions from 2 submitters: Uncertain significance (1). 1 of the submissions does not count toward it. Last evaluated 2021-12-02.

Conditions:
Inborn genetic diseases. Identifiers: MedGen C0950123, MeSH D030342.
Ocular cystinosis. Also called: Non-Nephropathic Cystinosis; Non-Nephropathic (Ocular) Cystinosis. Identifiers: Orphanet 213, Orphanet 411641, MedGen C2931013, MONDO:0009064, OMIM 219750.
Juvenile nephropathic cystinosis. Also called: Intermediate Cystinosis; CYSTINOSIS, LATE-ONSET JUVENILE OR ADOLESCENT NEPHROPATHIC TYPE; Later-Onset (Juvenile) Cystinosis. Identifiers: Orphanet 213, Orphanet 411634, MedGen C0268626, MONDO:0009066, OMIM 219900.
Cystinosis. Also called: Cystine diathesis; Cystine storage disease; Cystinoses. Identifiers: Orphanet 213, MedGen C4316899, MONDO:0016239.

Allele frequency attached by ClinVar (database versions not stated): gnomAD 0.00001; TOPMed 0.00002.
gnomAD v4.1: 2 of 1,614,048 alleles (0.00012%); highest among the groups gnomAD compares: African/African-American, 0.0013%; no homozygotes.

Submissions (2):

Labcorp Genetics (formerly Invitae), Labcorp
Classification: Uncertain significance for Inborn genetic diseases; Ocular cystinosis; Juvenile nephropathic cystinosis. Last evaluated: 2021-12-02. Review status: criteria provided, single submitter. Criteria: Invitae Variant Classification Sherloc (09022015). Collection method: clinical testing. Allele origin: germline.
Comment: This sequence change replaces valine, which is neutral and non-polar, with glutamic acid, which is acidic and polar, at codon 129 of the CTNS protein (p.Val129Glu). This variant is present in population databases (no rsID available, gnomAD 0.003%). This variant has not been reported in the literature in individuals affected with CTNS-related conditions. ClinVar contains an entry for this variant (Variation ID: 990031). Advanced modeling of protein sequence and biophysical properties (such as structural, functional, and spatial information, amino acid conservation, physicochemical variation, residue mobility, and thermodynamic stability) performed at Invitae indicates that this missense variant is expected to disrupt CTNS protein function. In summary, the available evidence is currently insufficient to determine the role of this variant in disease. Therefore, it has been classified as a Variant of Uncertain Significance.

Natera, Inc.
Classification: Uncertain significance for Cystinosis. Last evaluated: 2020-04-19. Review status: no assertion criteria provided. Collection method: clinical testing. Allele origin: germline. Not counted in ClinVar's aggregate classification.